The following is an entry in ClinVar:

NM_033637.4(BTRC):c.283T>G (p.Leu95Val)

Gene: BTRC (beta-transducin repeat containing E3 ubiquitin protein ligase; plus strand). Cytogenetic location: 10q24.32.
Variant type: single nucleotide variant.
Coding change: c.283T>G on transcript NM_033637.4 (MANE Select); coding-DNA position 283, T replaced by G.
Protein change: p.Leu95Val; replaces leucine 95 with valine.
Molecular consequence: missense variant.
Genome position (GRCh38, 1-based): chr10:101,479,416, T>G. VCF-style: chr10-101479416-T-G. GRCh37 (hg19) VCF-style: chr10-103239173-T-G.
Other names: c.205T>G, p.Leu69Val (NM_001256856.2); c.175T>G, p.Leu59Val (NM_003939.5); short protein forms L69V, L95V, L59V.
Identifiers: ClinVar variation 1899583 (VCV001899583.5), dbSNP rs781151619, ClinGen allele CA5655936.
Genomic context (GRCh38, chr10:101,479,416, plus strand): 5'-TTCTCTTTACAGACATACAACAGCTGTGCCAGACTCTGCTTAAACCAAGAAACAGTATGT[T>G]TAGCAAGCACTGCTATGAAGACTGAGAATTGTGTGGCCAAAGTAAGTAATATTGCTCATC-3'
Protein context (NP_378663.1, residues 85-105): RLCLNQETVC[Leu95Val]ASTAMKTENC

ClinVar aggregate classification (germline): Uncertain significance (1 of 4 stars; one submission).

Allele frequency attached by ClinVar (database versions not stated): gnomAD exomes 0.00001; ExAC 0.00002; TOPMed 0.00002.
gnomAD v4.1: 5 of 1,613,516 alleles (0.00031%); highest among the groups gnomAD compares: Admixed American, 0.0083%; no homozygotes.

Submission:

Labcorp Genetics (formerly Invitae), Labcorp
Classification: Uncertain significance. Last evaluated: 2022-04-12. Review status: criteria provided, single submitter. Criteria: Invitae Variant Classification Sherloc (09022015). Collection method: clinical testing. Allele origin: germline.
Comment: This sequence change replaces leucine, which is neutral and non-polar, with valine, which is neutral and non-polar, at codon 95 of the BTRC protein (p.Leu95Val). In summary, the available evidence is currently insufficient to determine the role of this variant in disease. Therefore, it has been classified as a Variant of Uncertain Significance. Algorithms developed to predict the effect of missense changes on protein structure and function (SIFT, PolyPhen-2, Align-GVGD) all suggest that this variant is likely to be tolerated. This variant has not been reported in the literature in individuals affected with BTRC-related conditions. This variant is present in population databases (rs781151619, gnomAD 0.01%).